The following is an entry in ClinVar:

NM_001267550.2(TTN):c.33976G>C (p.Glu11326Gln)

Gene: TTN (titin; minus strand). Cytogenetic location: 2q31.2.
Variant type: single nucleotide variant.
Coding change: c.33976G>C on transcript NM_001267550.2 (MANE Select); coding-DNA position 33976, G replaced by C.
Protein change: p.Glu11326Gln; replaces glutamic acid 11326 with glutamine.
Molecular consequence: missense variant. On other transcripts: intron variant (3).
Genome position (GRCh38, 1-based): chr2:178,678,143, C>G on the plus strand (G>C on the coding strand, the complement: TTN is on the minus strand). VCF-style: chr2-178678143-C-G. GRCh37 (hg19) VCF-style: chr2-179542870-C-G.
Other names: c.33025G>C, p.Glu11009Gln (NM_001256850.1); c.30244G>C, p.Glu10082Gln (NM_133378.4); c.13283-35826G>C (NM_003319.4); c.13859-35826G>C (NM_133437.4); c.13658-35826G>C (NM_133432.3); short protein forms E11326Q, E11009Q, E10082Q.
Identifiers: ClinVar variation 681032 (VCV000681032.1), dbSNP rs907207674, ClinGen allele CA60982527.

ClinVar aggregate classification (germline): Likely benign (1 of 4 stars; one submission).

Allele frequency attached by ClinVar (database versions not stated): TOPMed 0.00001 and below 0.00001.

Submission:

GeneDx
Classification: Likely benign. Last evaluated: 2018-03-22. Review status: criteria provided, single submitter. Criteria: GeneDx Variant Classification (06012015). Collection method: clinical testing. Allele origin: germline. Affected: yes.
Comment: This variant is considered likely benign or benign based on one or more of the following criteria: it is a conservative change, it occurs at a poorly conserved position in the protein, it is predicted to be benign by multiple in silico algorithms, and/or has population frequency not consistent with disease.